The following is an entry in ClinVar:

NM_004006.3(DMD):c.5195A>G (p.Asp1732Gly)

Gene: DMD (dystrophin; minus strand). Cytogenetic location: Xp21.1.
Variant type: single nucleotide variant.
Coding change: c.5195A>G on transcript NM_004006.3 (MANE Select); coding-DNA position 5195, A replaced by G.
Protein change: p.Asp1732Gly; replaces aspartic acid 1732 with glycine.
Molecular consequence: missense variant.
Genome position (GRCh38, 1-based): chrX:32,362,918, T>C on the plus strand (A>G on the coding strand, the complement: DMD is on the minus strand). VCF-style: chrX-32362918-T-C. GRCh37 (hg19) VCF-style: chrX-32381035-T-C.
Other names: c.5171A>G, p.Asp1724Gly (NM_000109.4); c.5183A>G, p.Asp1728Gly (NM_004009.3); c.4826A>G, p.Asp1609Gly (NM_004010.3); c.1172A>G, p.Asp391Gly (NM_004011.4); c.1163A>G, p.Asp388Gly (NM_004012.4); short protein forms D1609G, D1724G, D1728G, D1732G, D388G, D391G.
Identifiers: ClinVar variation 1010925 (VCV001010925.10), dbSNP rs2097842164, ClinGen allele CA412671310.

ClinVar aggregate classification (germline): Uncertain significance. Review status: criteria provided, single submitter (1 of 4 stars). 2 submissions from 2 submitters: Uncertain significance (1). 1 of the submissions does not count toward it. Last evaluated 2024-10-10.

Conditions:
Duchenne muscular dystrophy (DMD). Also called: MUSCULAR DYSTROPHY, PSEUDOHYPERTROPHIC PROGRESSIVE, DUCHENNE TYPE; Duchenne Muscular Dystrophy (DMD). Identifiers: Orphanet 98896, MedGen C0013264, MONDO:0010679, OMIM 310200.
Dystrophin deficiency.
Becker muscular dystrophy (BMD). Also called: MUSCULAR DYSTROPHY, PSEUDOHYPERTROPHIC PROGRESSIVE, BECKER TYPE; Becker Muscular Dystrophy (BMD). Identifiers: Orphanet 98895, MedGen C0917713, MONDO:0010311, OMIM 300376.
Cardiomyopathy (CMYO). Also called: Cardiomyopathies. Identifiers: Orphanet 167848, MedGen C0878544, MONDO:0004994, HP:0001638. Inheritance: Various modes of inheritance.

Allele frequency attached by ClinVar (database versions not stated): TOPMed below 0.00001.

Submissions (2):

Labcorp Genetics (formerly Invitae), Labcorp
Classification: Uncertain significance for Duchenne muscular dystrophy. Last evaluated: 2024-10-10. Review status: criteria provided, single submitter. Criteria: Invitae Variant Classification Sherloc (09022015). Collection method: clinical testing. Allele origin: germline.
Comment: This sequence change replaces aspartic acid, which is acidic and polar, with glycine, which is neutral and non-polar, at codon 1732 of the DMD protein (p.Asp1732Gly). This variant is not present in population databases (gnomAD no frequency). This variant has not been reported in the literature in individuals affected with DMD-related conditions. ClinVar contains an entry for this variant (Variation ID: 1010925). Invitae Evidence Modeling of protein sequence and biophysical properties (such as structural, functional, and spatial information, amino acid conservation, physicochemical variation, residue mobility, and thermodynamic stability) indicates that this missense variant is not expected to disrupt DMD protein function with a negative predictive value of 95%. In summary, the available evidence is currently insufficient to determine the role of this variant in disease. Therefore, it has been classified as a Variant of Uncertain Significance.

Natera, Inc.
Classification: Uncertain significance for Becker muscular dystrophy; Cardiomyopathy; Duchenne muscular dystrophy; Dystrophin deficiency. Last evaluated: 2020-02-03. Review status: no assertion criteria provided. Collection method: clinical testing. Allele origin: germline. Not counted in ClinVar's aggregate classification.